The following is an entry in ClinVar:

ClinVar aggregate classification (germline): Pathogenic. Review status: criteria provided, single submitter (1 of 4 stars). 2 submissions from 2 submitters: Pathogenic (1). 1 of the submissions does not count toward it. Last evaluated 2018-02-07.

Conditions:
Kennedy disease (SMAX1). Also called: KENNEDY SPINAL AND BULBAR MUSCULAR ATROPHY; SPINAL AND BULBAR MUSCULAR ATROPHY, X-LINKED 1; Spinal and Bulbar Muscular Atrophy. Identifiers: Orphanet 481, MedGen C1839259, MONDO:0010735, OMIM 313200.
Androgen resistance syndrome (AIS). Also called: Androgen insensitivity, complete; DIHYDROTESTOSTERONE RECEPTOR DEFICIENCY; Androgen insensitivity; Androgen insensitivity syndrome; ANDROGEN RECEPTOR DEFICIENCY; TESTICULAR FEMINIZATION SYNDROME. Identifiers: Orphanet 754, Orphanet 99429, MedGen C0039585, MONDO:0019154, OMIM 300068. Disease mechanism: loss of function.

Submissions (2):

Labcorp Genetics (formerly Invitae), Labcorp
Classification: Pathogenic for Kennedy disease; Androgen resistance syndrome. Last evaluated: 2018-02-07. Review status: criteria provided, single submitter. Criteria: Invitae Variant Classification Sherloc (09022015). Collection method: clinical testing. Allele origin: germline.
Comment: This sequence change creates a premature translational stop signal (p.Trp797*) in the AR gene. It is expected to result in an absent or disrupted protein product. This variant is not present in population databases (ExAC no frequency). This variant has been reported in several individuals affected with complete androgen insensitivity syndrome (PMID: 2332504, 25613104). Loss-of-function variants in AR are known to be pathogenic (PMID: 19463997). For these reasons, this variant has been classified as Pathogenic.

OMIM
Classification: Pathogenic for ANDROGEN INSENSITIVITY, COMPLETE. Last evaluated: 1990-05-01. Review status: no assertion criteria provided. Collection method: literature only. Allele origin: germline. Not counted in ClinVar's aggregate classification.

Literature cited by the submitters: PubMed 2332504 (cited by Labcorp Genetics (formerly Invitae), Labcorp and OMIM); PubMed 25613104 (cited by Labcorp Genetics (formerly Invitae), Labcorp); PubMed 19463997 (cited by Labcorp Genetics (formerly Invitae), Labcorp).

NM_000044.6(AR):c.2391G>A (p.Trp797Ter)

Gene: AR (androgen receptor; plus strand). Cytogenetic location: Xq12.
Variant type: single nucleotide variant.
Coding change: c.2391G>A on transcript NM_000044.6 (MANE Select); coding-DNA position 2391, G replaced by A.
Protein change: p.Trp797Ter; replaces tryptophan 797 with a stop codon.
Molecular consequence: nonsense.
Genome position (GRCh38, 1-based): chrX:67,721,905, G>A. VCF-style: chrX-67721905-G-A. GRCh37 (hg19) VCF-style: chrX-66941747-G-A.
Other names: W794*; c.795G>A, p.Trp265Ter (NM_001011645.3); short protein forms W265*, W797*.
Identifiers: ClinVar variation 9807 (VCV000009807.8), dbSNP rs137852565, ClinGen allele CA120686.
Genomic context (GRCh38, chrX:67,721,905, plus strand): 5'-CAAGTCCCGGATGTACAGCCAGTGTGTCCGAATGAGGCACCTCTCTCAAGAGTTTGGATG[G>A]CTCCAAATCACCCCCCAGGAATTCCTGTGCATGAAAGCACTGCTACTCTTCAGCATTAGT-3'